The following is an entry in ClinVar:

ClinVar aggregate classification (germline): Uncertain significance (1 of 4 stars; one submission).

Allele frequency attached by ClinVar (database versions not stated): gnomAD exomes below 0.00001.
gnomAD v4.1: 1 of 1,601,870 alleles (0.000062%); highest among the groups gnomAD compares: Middle Eastern, 0.017%; no homozygotes.

Submission:

Labcorp Genetics (formerly Invitae), Labcorp
Classification: Uncertain significance. Last evaluated: 2022-12-20. Review status: criteria provided, single submitter. Criteria: Invitae Variant Classification Sherloc (09022015). Collection method: clinical testing. Allele origin: germline.
Comment: This sequence change replaces serine, which is neutral and polar, with proline, which is neutral and non-polar, at codon 736 of the ITGAM protein (p.Ser736Pro). This variant is not present in population databases (gnomAD no frequency). This variant has not been reported in the literature in individuals affected with ITGAM-related conditions. Algorithms developed to predict the effect of missense changes on protein structure and function are either unavailable or do not agree on the potential impact of this missense change (SIFT: "Deleterious"; PolyPhen-2: "Probably Damaging"; Align-GVGD: "Class C0"). In summary, the available evidence is currently insufficient to determine the role of this variant in disease. Therefore, it has been classified as a Variant of Uncertain Significance.

NM_000632.4(ITGAM):c.2206T>C (p.Ser736Pro)

Gene: ITGAM (integrin subunit alpha M; plus strand). Cytogenetic location: 16p11.2.
Variant type: single nucleotide variant.
Coding change: c.2206T>C on transcript NM_000632.4 (MANE Select); coding-DNA position 2206, T replaced by C.
Protein change: p.Ser736Pro; replaces serine 736 with proline.
Molecular consequence: missense variant.
Genome position (GRCh38, 1-based): chr16:31,324,699, T>C. VCF-style: chr16-31324699-T-C. GRCh37 (hg19) VCF-style: chr16-31336020-T-C.
Other names: c.2209T>C, p.Ser737Pro (NM_001145808.2); short protein forms S736P, S737P.
Identifiers: ClinVar variation 2814658 (VCV002814658.3), dbSNP rs2544495623, ClinGen allele CA395688496.